The following is an entry in ClinVar:

NM_006031.6(PCNT):c.9598G>A (p.Val3200Ile)

Gene: PCNT (pericentrin; plus strand). Cytogenetic location: 21q22.3.
Variant type: single nucleotide variant.
Coding change: c.9598G>A on transcript NM_006031.6 (MANE Select); coding-DNA position 9598, G replaced by A.
Protein change: p.Val3200Ile; replaces valine 3200 with isoleucine.
Molecular consequence: missense variant.
Genome position (GRCh38, 1-based): chr21:46,441,059, G>A. VCF-style: chr21-46441059-G-A. GRCh37 (hg19) VCF-style: chr21-47860972-G-A.
Other names: c.9007G>A, p.Val3003Ile (NM_001315529.2); short protein forms V3003I, V3200I.
Identifiers: ClinVar variation 2590891 (VCV002590891.3), dbSNP rs561720100, ClinGen allele CA10081365.

ClinVar aggregate classification (germline): Uncertain significance. Review status: criteria provided, single submitter (1 of 4 stars). 2 submissions from 2 submitters: Uncertain significance (1). 1 of the submissions does not count toward it. Last evaluated 2023-07-31.

Conditions:
Inborn genetic diseases. Identifiers: MedGen C0950123, MeSH D030342.
PCNT-related disorder. Also called: PCNT-related condition.

Allele frequency attached by ClinVar (database versions not stated): gnomAD 0.00001; ExAC 0.00002; gnomAD exomes 0.00002; 1000 Genomes Project 0.00020; 1000 Genomes Project 30x 0.00031.
gnomAD v4.1: 25 of 1,613,138 alleles (0.0015%); highest among the groups gnomAD compares: South Asian, 0.011%; no homozygotes.

Submissions (2):

Ambry Genetics
Classification: Uncertain significance for Inborn genetic diseases. Last evaluated: 2023-07-31. Review status: criteria provided, single submitter. Criteria: Ambry Variant Classification Scheme 2023. Collection method: clinical testing. Allele origin: germline.

PreventionGenetics, part of Exact Sciences
Classification: Uncertain significance for PCNT-related condition. Last evaluated: 2024-04-11. Review status: no assertion criteria provided. Collection method: clinical testing. Allele origin: germline. Not counted in ClinVar's aggregate classification.
Comment: The PCNT c.9598G>A variant is predicted to result in the amino acid substitution p.Val3200Ile. To our knowledge, this variant has not been reported in the literature. This variant is reported in 0.0098% of alleles in individuals of South Asian descent in gnomAD. At this time, the clinical significance of this variant is uncertain due to the absence of conclusive functional and genetic evidence.